The following is an entry in ClinVar:

ClinVar aggregate classification (germline): Uncertain significance (1 of 4 stars; one submission).

Conditions:
Familial thoracic aortic aneurysm and aortic dissection (TAAD). Also called: Thoracic aortic aneurysms and dissections. Identifiers: Orphanet 91387, MedGen C4707243, MONDO:0019625.

Submission:

Ambry Genetics
Classification: Uncertain significance for Familial thoracic aortic aneurysm and aortic dissection. Last evaluated: 2023-12-25. Review status: criteria provided, single submitter. Criteria: Ambry Variant Classification Scheme 2023. Collection method: clinical testing. Allele origin: germline.
Comment: The p.D506N variant (also known as c.1516G>A), located in coding exon 14 of the CBS gene, results from a G to A substitution at nucleotide position 1516. The aspartic acid at codon 506 is replaced by asparagine, an amino acid with highly similar properties. This amino acid position is conserved. In addition, the in silico prediction for this alteration is inconclusive. Since supporting evidence is limited at this time, the clinical significance of this alteration remains unclear.

NM_000071.3(CBS):c.1516G>A (p.Asp506Asn)

Gene: CBS (cystathionine beta-synthase; minus strand). Cytogenetic location: 21q22.3.
Variant type: single nucleotide variant.
Coding change: c.1516G>A on transcript NM_000071.3 (MANE Select); coding-DNA position 1516, G replaced by A.
Protein change: p.Asp506Asn; replaces aspartic acid 506 with asparagine.
Molecular consequence: missense variant.
Genome position (GRCh38, 1-based): chr21:43,056,839, C>T on the plus strand (G>A on the coding strand, the complement: CBS is on the minus strand). VCF-style: chr21-43056839-C-T. GRCh37 (hg19) VCF-style: chr21-44476949-C-T.
Other names: c.1516G>A, p.Asp506Asn (NM_001178008.3, NM_001178009.3, NM_001320298.2); c.1201G>A, p.Asp401Asn (NM_001321072.1); short protein forms D401N, D506N.
Identifiers: ClinVar variation 1774323 (VCV001774323.2), dbSNP rs1317348103, ClinGen allele CA410395701.